The following is an entry in ClinVar:

ClinVar aggregate classification (germline): Uncertain significance (1 of 4 stars; one submission).

Submission:

Labcorp Genetics (formerly Invitae), Labcorp
Classification: Uncertain significance. Last evaluated: 2024-01-27. Review status: criteria provided, single submitter. Criteria: Invitae Variant Classification Sherloc (09022015). Collection method: clinical testing. Allele origin: unknown.
Comment: This variant results in a copy number gain of the genomic region encompassing exon(s) 4-10 of the GHR gene. This region includes the termination codon of the gene. This copy number gain extends beyond the assayed region for this gene and therefore may encompass additional genes. As the precise location of this event is unknown, it may be in tandem or it may be located elsewhere in the genome. This variant has not been reported in the literature in individuals affected with GHR-related conditions. Experimental studies and prediction algorithms are not available or were not evaluated, and the functional significance of this variant is currently unknown. In summary, the available evidence is currently insufficient to determine the role of this variant in disease. Therefore, it has been classified as a Variant of Uncertain Significance.

NC_000005.9:g.(?_42688972)_(42719526_?)dup

Gene: GHR (growth hormone receptor; plus strand). Cytogenetic location: 5p12.
Variant type: Duplication.
Identifiers: ClinVar variation 3246442 (VCV003246442.1).